The following is an entry in ClinVar:

ClinVar aggregate classification (germline): Uncertain significance (1 of 4 stars; one submission).

Allele frequency attached by ClinVar (database versions not stated): TOPMed below 0.00001; ExAC 0.00001; gnomAD 0.00001.
gnomAD v4.1: 1 of 1,613,424 alleles (0.000062%); highest among the groups gnomAD compares: Non-Finnish European, 0.000085%; no homozygotes.

Submission:

Labcorp Genetics (formerly Invitae), Labcorp
Classification: Uncertain significance. Last evaluated: 2023-12-30. Review status: criteria provided, single submitter. Criteria: Invitae Variant Classification Sherloc (09022015). Collection method: clinical testing. Allele origin: germline.
Comment: This sequence change replaces asparagine, which is neutral and polar, with threonine, which is neutral and polar, at codon 497 of the KCNH1 protein (p.Asn497Thr). This variant is not present in population databases (gnomAD no frequency). This variant has not been reported in the literature in individuals affected with KCNH1-related conditions. ClinVar contains an entry for this variant (Variation ID: 2177544). Advanced modeling of protein sequence and biophysical properties (such as structural, functional, and spatial information, amino acid conservation, physicochemical variation, residue mobility, and thermodynamic stability) performed at Invitae indicates that this missense variant is expected to disrupt KCNH1 protein function with a positive predictive value of 95%. In summary, the available evidence is currently insufficient to determine the role of this variant in disease. Therefore, it has been classified as a Variant of Uncertain Significance.

NM_172362.3(KCNH1):c.1490A>C (p.Asn497Thr)

Gene: KCNH1 (potassium voltage-gated channel subfamily H member 1; minus strand). Cytogenetic location: 1q32.2.
Variant type: single nucleotide variant.
Coding change: c.1490A>C on transcript NM_172362.3 (MANE Select); coding-DNA position 1490, A replaced by C.
Protein change: p.Asn497Thr; replaces asparagine 497 with threonine.
Molecular consequence: missense variant.
Genome position (GRCh38, 1-based): chr1:210,804,139, T>G on the plus strand (A>C on the coding strand, the complement: KCNH1 is on the minus strand). VCF-style: chr1-210804139-T-G. GRCh37 (hg19) VCF-style: chr1-210977481-T-G.
Other names: c.1409A>C, p.Asn470Thr (NM_002238.4); short protein forms N470T, N497T.
Identifiers: ClinVar variation 2177544 (VCV002177544.4), dbSNP rs761708962, ClinGen allele CA1379868.
Genomic context (GRCh38, chr1:210,804,139, plus strand): 5'-TTGAGCATCTCATGGTATCTGTTGGTGTTGGCATACATCTGTTGGAAAATAGTCGTCACA[T>G]TCCCGAAGATGGTGGCATAGAGAAGTGCTAGAGGTGAGGAGGAGGAGCAAAAGAAGAAAT-3'
Protein context (NP_758872.1, residues 487-507): GSLLYATIFG[Asn497Thr]VTTIFQQMYA